The following is an entry in ClinVar:

NM_000548.5(TSC2):c.1240T>G (p.Cys414Gly)

Gene: TSC2 (TSC complex subunit 2; plus strand). Cytogenetic location: 16p13.3.
Variant type: single nucleotide variant.
Coding change: c.1240T>G on transcript NM_000548.5 (MANE Select); coding-DNA position 1240, T replaced by G.
Protein change: p.Cys414Gly; replaces cysteine 414 with glycine.
Molecular consequence: missense variant.
Genome position (GRCh38, 1-based): chr16:2,061,991, T>G. VCF-style: chr16-2061991-T-G. GRCh37 (hg19) VCF-style: chr16-2111992-T-G.
Other names: c.1273T>G, p.Cys425Gly (NM_001318832.2); c.1240T>G, p.Cys414Gly (NM_001363528.2, NM_001370404.1, NM_001370405.1 and 3 more transcripts); c.1129T>G, p.Cys377Gly (NM_001318827.2); c.1093T>G, p.Cys365Gly (NM_001318829.2); c.640T>G, p.Cys214Gly (NM_001318831.2); short protein forms C414G, C214G, C365G, C425G, C377G.
Identifiers: ClinVar variation 389695 (VCV000389695.7), dbSNP rs1057523509, ClinGen allele CA16608029.
Genomic context (GRCh38, chr16:2,061,991, plus strand): 5'-CTGTGTGACCAGAACGAGTTCCACGGGTCTCAGGAGAGATACTTTGAACTGGTGGAGAGA[T>G]GTGCGGACCAGAGGCCTGTGAGACCCCCTCCTGGGTGGGGCCTTTGGGCTTTGGCTGGTG-3'
Protein context (NP_000539.2, residues 404-424): QERYFELVER[Cys414Gly]ADQRPESSLL

ClinVar aggregate classification (germline): Pathogenic/Likely pathogenic. Review status: criteria provided, multiple submitters, no conflicts (2 of 4 stars). 2 submissions from 2 submitters: Pathogenic (1); Likely pathogenic (1). Last evaluated 2024-02-05.

Conditions:
Tuberous sclerosis 2 (TSC2). Identifiers: Orphanet 805, MedGen C1860707, MONDO:0013199, OMIM 613254.

Submissions (2):

Labcorp Genetics (formerly Invitae), Labcorp
Classification: Pathogenic for Tuberous sclerosis 2. Last evaluated: 2024-02-05. Review status: criteria provided, single submitter. Criteria: Invitae Variant Classification Sherloc (09022015). Collection method: clinical testing. Allele origin: germline.
Comment: This sequence change replaces cysteine, which is neutral and slightly polar, with glycine, which is neutral and non-polar, at codon 414 of the TSC2 protein (p.Cys414Gly). This variant is not present in population databases (gnomAD no frequency). This missense change has been observed in individual(s) with clinical features of tuberous sclerosis complex (Invitae). In at least one individual the variant was observed to be de novo. ClinVar contains an entry for this variant (Variation ID: 389695). Advanced modeling of protein sequence and biophysical properties (such as structural, functional, and spatial information, amino acid conservation, physicochemical variation, residue mobility, and thermodynamic stability) performed at Invitae indicates that this missense variant is not expected to disrupt TSC2 protein function with a negative predictive value of 95%. Algorithms developed to predict the effect of sequence changes on RNA splicing suggest that this variant may disrupt the consensus splice site. For these reasons, this variant has been classified as Pathogenic.

GeneDx
Classification: Likely pathogenic. Last evaluated: 2018-10-31. Review status: criteria provided, single submitter. Criteria: GeneDx Variant Classification (06012015). Collection method: clinical testing. Allele origin: germline. Affected: yes.
Comment: A novel c.1240 T>G variant that is likely pathogenic has been identified in the TSC2 gene. The c.1240 T>G variant has been reported previously as a de novo change in an individual with tuberous sclerosis complex (TSC2 LOVD). It was not observed in approximately 6,500 individuals of European and African American ancestry in the NHLBI Exome Sequencing Project, indicating it is not a common benign variant in these populations. Several in-silico splice prediction models predict that c.1240 T>G creates a cryptic donor site which may supplant the natural donor site and lead to abnormal gene splicing. However, in the absence of RNA/functional studies, the actual effect of this sequence change is unknown. If the c.1240 T>G variant does not affect splicing, it will result in the C414G missense variant. The C414G variant is a non-conservative amino acid substitution, which is likely to impact secondary protein structure as these residues differ in polarity, charge, size and/or other properties. In silico analysis predicts this variant is probably damaging to the protein structure/function. However, this amino acid substitution occurs at a position that is not conserved. Therefore, this variant is likely pathogenic; however, the possibility that it is benign cannot be excluded.